The following is an entry in ClinVar:

ClinVar aggregate classification (germline): Uncertain significance (1 of 4 stars; one submission).

Conditions:
Familial thoracic aortic aneurysm and aortic dissection (TAAD). Also called: Thoracic aortic aneurysms and dissections. Identifiers: Orphanet 91387, MedGen C4707243, MONDO:0019625.

gnomAD v4.1: 2 of 1,613,634 alleles (0.00012%); highest among the groups gnomAD compares: African/African-American, 0.0013%; no homozygotes.

Submission:

Ambry Genetics
Classification: Uncertain significance for Familial thoracic aortic aneurysm and aortic dissection. Last evaluated: 2024-03-28. Review status: criteria provided, single submitter. Criteria: Ambry Variant Classification Scheme 2023. Collection method: clinical testing. Allele origin: germline.
Comment: The p.W1695R variant (also known as c.5083T>C), located in coding exon 64 of the COL5A1 gene, results from a T to C substitution at nucleotide position 5083. The tryptophan at codon 1695 is replaced by arginine, an amino acid with dissimilar properties. This amino acid position is highly conserved in available vertebrate species. In addition, this alteration is predicted to be deleterious by in silico analysis. Based on the available evidence, the clinical significance of this alteration remains unclear.

NM_000093.5(COL5A1):c.5083T>C (p.Trp1695Arg)

Genes: COL5A1 (collagen type V alpha 1 chain; plus strand), LOC101448202 (uncharacterized LOC101448202; minus strand). Cytogenetic location: 9q34.3.
Variant type: single nucleotide variant.
Coding change: c.5083T>C on transcript NM_000093.5 (MANE Select); coding-DNA position 5083, T replaced by C.
Protein change: p.Trp1695Arg; replaces tryptophan 1695 with arginine.
Molecular consequence: missense variant. On other transcripts: intron variant (1).
Genome position (GRCh38, 1-based): chr9:134,829,991, T>C. VCF-style: chr9-134829991-T-C. GRCh37 (hg19) VCF-style: chr9-137721837-T-C.
Other names: c.5068-117T>C (NM_001278074.1); short protein forms W1695R.
Identifiers: ClinVar variation 3268743 (VCV003268743.1).